The following is an entry in ClinVar:

NM_001366110.1(PAX4):c.976T>G (p.Ser326Ala)

Gene: PAX4 (paired box 4; minus strand). Cytogenetic location: 7q32.1.
Variant type: single nucleotide variant.
Coding change: c.976T>G on transcript NM_001366110.1 (MANE Select); coding-DNA position 976, T replaced by G.
Protein change: p.Ser326Ala; replaces serine 326 with alanine.
Molecular consequence: missense variant. On other transcripts: intron variant (1).
Genome position (GRCh38, 1-based): chr7:127,611,144, A>C on the plus strand (T>G on the coding strand, the complement: PAX4 is on the minus strand). VCF-style: chr7-127611144-A-C. GRCh37 (hg19) VCF-style: chr7-127251198-A-C.
Other names: c.914-159T>G (NM_001366111.1); short protein forms S326A.
Identifiers: ClinVar variation 4695798 (VCV004695798.1).

ClinVar aggregate classification (germline): Uncertain significance (1 of 4 stars; one submission).

gnomAD v4.1: 6 of 1,604,280 alleles (0.00037%); highest among the groups gnomAD compares: Admixed American, 0.01%; no homozygotes.

Submission:

Labcorp Genetics (formerly Invitae), Labcorp
Classification: Uncertain significance. Last evaluated: 2025-03-05. Review status: criteria provided, single submitter. Criteria: Invitae Variant Classification Sherloc (09022015). Collection method: clinical testing. Allele origin: germline.
Comment: This sequence change replaces serine, which is neutral and polar, with alanine, which is neutral and non-polar, at codon 318 of the PAX4 protein (p.Ser318Ala). This variant is present in population databases (rs772045949, gnomAD 0.01%). This variant has not been reported in the literature in individuals affected with PAX4-related conditions. An algorithm developed to predict the effect of missense changes on protein structure and function (PolyPhen-2) suggests that this variant is likely to be tolerated. In summary, the available evidence is currently insufficient to determine the role of this variant in disease. Therefore, it has been classified as a Variant of Uncertain Significance.